The following is an entry in ClinVar:

NM_001042492.3(NF1):c.4760del (p.Ala1586_Leu1587insTer)

Gene: NF1 (neurofibromin 1; plus strand). Cytogenetic location: 17q11.2.
Variant type: Deletion.
Coding change: c.4760del on transcript NM_001042492.3 (MANE Select); coding-DNA position 4760, one base deleted (T; older notation c.4760delT).
Protein change: p.Ala1586_Leu1587insTer.
Molecular consequence: nonsense. On other transcripts: frameshift variant (1).
Genome position (GRCh38, 1-based): chr17:31,265,264, T deleted; the last of 3 consecutive T bases (chr17:31,265,262-31,265,264); deleting any one gives the same sequence. VCF-style (leftmost placement, unchanged base first): chr17-31265261-CT-C. GRCh37 (hg19) VCF-style: chr17-29592279-CT-C.
Other names: p.Leu1566*; c.4697delT, p.Leu1566Terfs (NM_000267.4).
Identifiers: ClinVar variation 1387584 (VCV001387584.8), dbSNP rs2151470108, ClinGen allele CA2573153671.

ClinVar aggregate classification (germline): Pathogenic/Likely pathogenic. Review status: criteria provided, multiple submitters, no conflicts (2 of 4 stars). 3 submissions from 3 submitters: Pathogenic (1); Likely pathogenic (2). Last evaluated 2023-10-06.

Conditions:
Neurofibromatosis, type 1 (NF1). Also called: VON RECKLINGHAUSEN DISEASE; Neurofibromatosis, type I; NEUROFIBROMATOSIS, TYPE I, SOMATIC; Peripheral type neurofibromatosis. Identifiers: Orphanet 636, MedGen C0027831, MONDO:0018975, OMIM 162200. Disease mechanism: loss of function.
Neurofibromatosis, familial spinal (FSNF). Identifiers: Orphanet 636, MedGen C1834235, MONDO:0008078, OMIM 162210. Disease mechanism: loss of function.
Juvenile myelomonocytic leukemia (JMML). Also called: LEUKEMIA, JUVENILE MYELOMONOCYTIC, SOMATIC. Identifiers: Orphanet 86834, MedGen C0349639, MONDO:0011908, OMIM 607785, HP:0012209.
Neurofibromatosis-Noonan syndrome (NFNS). Also called: NEUROFIBROMATOSIS WITH NOONAN PHENOTYPE. Identifiers: Orphanet 638, MedGen C2931482, MONDO:0011035, OMIM 601321. Disease mechanism: loss of function.
Café-au-lait macules with pulmonary stenosis (WTSN). Also called: PULMONIC STENOSIS WITH CAFE-AU-LAIT SPOTS. Identifiers: MedGen C0553586, MONDO:0008672, OMIM 193520.

Submissions (3):

Mayo Clinic Laboratories, Mayo Clinic
Classification: Likely pathogenic. Last evaluated: 2023-10-06. Review status: criteria provided, single submitter. Criteria: ACMG Guidelines, 2015. Collection method: clinical testing. Allele origin: germline. Observed: 1 variant allele.
Comment: PM2_moderate, PVS1

Labcorp Genetics (formerly Invitae), Labcorp
Classification: Pathogenic for Neurofibromatosis, type 1. Last evaluated: 2021-10-04. Review status: criteria provided, single submitter. Criteria: Invitae Variant Classification Sherloc (09022015). Collection method: clinical testing. Allele origin: germline.
Comment: For these reasons, this variant has been classified as Pathogenic. This variant has not been reported in the literature in individuals with NF1-related conditions. This variant is not present in population databases (ExAC no frequency). This sequence change creates a premature translational stop signal (p.Leu1566*) in the NF1 gene. It is expected to result in an absent or disrupted protein product. Loss-of-function variants in NF1 are known to be pathogenic (PMID: 10712197, 23913538).

Fulgent Genetics
Classification: Likely pathogenic for Neurofibromatosis, type 1; Neurofibromatosis, familial spinal; Café-au-lait macules with pulmonary stenosis; Neurofibromatosis-Noonan syndrome; Juvenile myelomonocytic leukemia. Last evaluated: 2021-08-09. Review status: criteria provided, single submitter. Criteria: ACMG Guidelines, 2015. Collection method: clinical testing. Allele origin: unknown.

Literature cited by the submitters: PubMed 10712197 (cited by Labcorp Genetics (formerly Invitae), Labcorp); PubMed 23913538 (cited by Labcorp Genetics (formerly Invitae), Labcorp).